The following is an entry in ClinVar:

ClinVar aggregate classification (germline): Uncertain significance (0 of 4 stars; one submission).

Conditions:
SEMA3D-related disorder. Also called: SEMA3D-related condition.

gnomAD v4.1: 1 of 1,608,240 alleles (0.000062%); highest among the groups gnomAD compares: South Asian, 0.0011%; no homozygotes.

Submission:

PreventionGenetics, part of Exact Sciences
Classification: Uncertain significance for SEMA3D-related condition. Last evaluated: 2024-06-14. Review status: no assertion criteria provided. Collection method: clinical testing. Allele origin: germline.
Comment: The SEMA3D c.877C>A variant is predicted to result in the amino acid substitution p.Gln293Lys. To our knowledge, this variant has not been reported in the literature or in a large population database, indicating this variant is rare. At this time, the clinical significance of this variant is uncertain due to the absence of conclusive functional and genetic evidence.

NM_001384900.1(SEMA3D):c.877C>A (p.Gln293Lys)

Gene: SEMA3D (semaphorin 3D; minus strand). Cytogenetic location: 7q21.11.
Variant type: single nucleotide variant.
Coding change: c.877C>A on transcript NM_001384900.1 (MANE Select); coding-DNA position 877, C replaced by A.
Protein change: p.Gln293Lys; replaces glutamine 293 with lysine.
Molecular consequence: missense variant.
Genome position (GRCh38, 1-based): chr7:85,042,270, G>T on the plus strand (C>A on the coding strand, the complement: SEMA3D is on the minus strand). VCF-style: chr7-85042270-G-T. GRCh37 (hg19) VCF-style: chr7-84671586-G-T.
Other names: c.877C>A, p.Gln293Lys (NM_001384901.1, NM_001384902.1, NM_001384903.1 and 1 more transcripts); short protein forms Q293K.
Identifiers: ClinVar variation 3346160 (VCV003346160.1).
Genomic context (GRCh38, chr7:85,042,270, plus strand): 5'-GAATTGAGCAAATCAGTCTGGCCTTAAGAAAAGTCGTCCACTTGTTTATCAGGCTGCGTT[G>T]TCCTCCTACATCATTCTGACATGAAAAAAAAAATAAAGATAAATATTTATCAACACAATT-3'
Protein context (NP_001371829.1, residues 283-303): GRVCKNDVGG[Gln293Lys]RSLINKWTTF